The following is an entry in ClinVar:

NM_001377142.1(PLCB4):c.2400G>A (p.Pro800=)

Gene: PLCB4 (phospholipase C beta 4; plus strand). Cytogenetic location: 20p12.2.
Variant type: single nucleotide variant.
Coding change: c.2400G>A on transcript NM_001377142.1 (MANE Select); coding-DNA position 2400, G replaced by A.
Protein change: p.Pro800=; no amino-acid change (proline 800 retained).
Molecular consequence: synonymous variant.
Genome position (GRCh38, 1-based): chr20:9,423,828, G>A. VCF-style: chr20-9423828-G-A. GRCh37 (hg19) VCF-style: chr20-9404475-G-A.
Other names: c.2364G>A, p.Pro788= (NM_000933.4, NM_001377134.2, NM_001377135.1 and 2 more transcripts); c.2400G>A, p.Pro800= (NM_001172646.2, NM_001377143.1).
Identifiers: ClinVar variation 339577 (VCV000339577.15), dbSNP rs16995899, ClinGen allele CA9761375.

ClinVar aggregate classification (germline): Benign. Review status: criteria provided, multiple submitters, no conflicts (2 of 4 stars). 4 submissions from 4 submitters: Benign (4). Last evaluated 2026-01-18.

Conditions:
Auriculocondylar syndrome 2 (ARCND2A). Also called: AURICULOCONDYLAR SYNDROME 2A. Identifiers: Orphanet 137888, MedGen C3553404, MONDO:0013845, OMIM 614669.

Allele frequency attached by ClinVar (database versions not stated): ESP Exome Variant Server 0.00077; gnomAD 0.00802 and 0.00910; TOPMed 0.01369; ExAC 0.01547; gnomAD exomes 0.01964; 1000 Genomes Project 0.02296; 1000 Genomes Project 30x 0.02374.
gnomAD v4.1: 9,430 of 1,613,820 alleles (0.58%); highest among the groups gnomAD compares: Admixed American, 9.7%; 423 homozygotes.

Submissions (4):

Labcorp Genetics (formerly Invitae), Labcorp
Classification: Benign. Last evaluated: 2026-01-18. Review status: criteria provided, single submitter. Criteria: Invitae Variant Classification Sherloc (09022015). Collection method: clinical testing. Allele origin: germline.

GeneDx
Classification: Benign. Last evaluated: 2021-05-05. Review status: criteria provided, single submitter. Criteria: GeneDx Variant Classification Process June 2021. Collection method: clinical testing. Allele origin: germline. Affected: yes.

Illumina Laboratory Services, Illumina
Classification: Benign for Auriculocondylar syndrome 2. Last evaluated: 2018-01-12. Review status: criteria provided, single submitter. Criteria: ICSL Variant Classification Criteria 13 December 2019. Collection method: clinical testing. Allele origin: germline.
Comment: This variant was observed in the ICSL laboratory as part of a predisposition screen in an ostensibly healthy population. It had not been previously curated by ICSL or reported in the Human Gene Mutation Database (HGMD: prior to June 1st, 2018), and was therefore a candidate for classification through an automated scoring system. Utilizing variant allele frequency, disease prevalence and penetrance estimates, and inheritance mode, an automated score was calculated to assess if this variant is too frequent to cause the disease. Based on the score and internal cut-off values, a variant classified as benign is not then subjected to further curation. The score for this variant resulted in a classification of benign for this disease.

Breakthrough Genomics
Classification: Benign. Review status: criteria provided, single submitter. Criteria: ACMG Guidelines, 2015. Collection method: not provided. Allele origin: germline. Inheritance: Autosomal dominant inheritance. Affected: yes.